The following is an entry in ClinVar:

NM_003193.5(TBCE):c.630C>T (p.Val210=)

Gene: TBCE (tubulin folding cofactor E; plus strand). Cytogenetic location: 1q42.3.
Variant type: single nucleotide variant.
Coding change: c.630C>T on transcript NM_003193.5 (MANE Select); coding-DNA position 630, C replaced by T.
Protein change: p.Val210=; no amino-acid change (valine 210 retained).
Molecular consequence: synonymous variant.
Genome position (GRCh38, 1-based): chr1:235,430,774, C>T. VCF-style: chr1-235430774-C-T. GRCh37 (hg19) VCF-style: chr1-235594089-C-T.
Other names: c.630C>T, p.Val210= (NM_001079515.3, NM_001287801.2); c.291C>T, p.Val97= (NM_001287802.2); c.630C>T (NM_001287801.1).
Identifiers: ClinVar variation 1980591 (VCV001980591.6), dbSNP rs778214791, ClinGen allele CA1464097.
Genomic context (GRCh38, chr1:235,430,774, plus strand): 5'-ACTAAAATTTCCCTCCGGTTCAGTATTAACTGGAACGCTTTCTGTACTGAAGGTTTTAGT[C>T]CTCAATCAAACAGGAATAACGTGGGCTGAGGTAATCATATTTCTTTGTTTTATTACACAT-3'
Protein context (NP_003184.1, residues 200-220): TGTLSVLKVL[Val210=]LNQTGITWAE

ClinVar aggregate classification (germline): Likely benign. Review status: criteria provided, single submitter (1 of 4 stars). 2 submissions from 2 submitters: Likely benign (1). 1 of the submissions does not count toward it. Last evaluated 2025-07-28.

Conditions:
TBCE-related disorder. Also called: TBCE-related condition; TBCE-related disorders.

Allele frequency attached by ClinVar (database versions not stated): gnomAD 0.00002; gnomAD exomes 0.00002; TOPMed 0.00002; ExAC 0.00003.
gnomAD v4.1: 26 of 1,613,548 alleles (0.0016%); highest among the groups gnomAD compares: Non-Finnish European, 0.002%; no homozygotes.

Submissions (2):

Labcorp Genetics (formerly Invitae), Labcorp
Classification: Likely benign. Last evaluated: 2025-07-28. Review status: criteria provided, single submitter. Criteria: Invitae Variant Classification Sherloc (09022015). Collection method: clinical testing. Allele origin: germline.

PreventionGenetics, part of Exact Sciences
Classification: Likely benign for TBCE-related condition. Last evaluated: 2019-07-10. Review status: no assertion criteria provided. Collection method: clinical testing. Allele origin: germline. Not counted in ClinVar's aggregate classification.
Comment: This variant is classified as likely benign based on ACMG/AMP sequence variant interpretation guidelines (Richards et al. 2015 PMID: 25741868, with internal and published modifications).